The following is an entry in ClinVar:

NM_138387.4(G6PC3):c.869C>T (p.Ala290Val)

Gene: G6PC3 (glucose-6-phosphatase catalytic subunit 3; plus strand). Cytogenetic location: 17q21.31.
Variant type: single nucleotide variant.
Coding change: c.869C>T on transcript NM_138387.4 (MANE Select); coding-DNA position 869, C replaced by T.
Protein change: p.Ala290Val; replaces alanine 290 with valine.
Molecular consequence: missense variant. On other transcripts: 3 prime UTR variant (1).
Genome position (GRCh38, 1-based): chr17:44,075,871, C>T. VCF-style: chr17-44075871-C-T. GRCh37 (hg19) VCF-style: chr17-42153239-C-T.
Other names: c.*162C>T (NM_001319945.2); c.524C>T, p.Ala175Val (NM_001384165.1, NM_001384166.1, NM_001384167.1 and 1 more transcripts); short protein forms A290V, A175V.
Identifiers: ClinVar variation 3518079 (VCV003518079.1).

ClinVar aggregate classification (germline): Uncertain significance (1 of 4 stars; one submission).

Conditions:
Inborn genetic diseases. Identifiers: MedGen C0950123, MeSH D030342.

gnomAD v4.1: 6 of 1,612,484 alleles (0.00037%); highest among the groups gnomAD compares: African/African-American, 0.0067%; no homozygotes.

Submission:

Ambry Genetics
Classification: Uncertain significance for Inborn genetic diseases. Last evaluated: 2024-12-08. Review status: criteria provided, single submitter. Criteria: Ambry Variant Classification Scheme 2023. Collection method: clinical testing. Allele origin: germline.
Comment: The p.A290V variant (also known as c.869C>T), located in coding exon 6 of the G6PC3 gene, results from a C to T substitution at nucleotide position 869. The alanine at codon 290 is replaced by valine, an amino acid with similar properties. This amino acid position is conserved. In addition, this alteration is predicted to be tolerated by in silico analysis. Based on the available evidence, the clinical significance of this variant remains unclear.